The following is an entry in ClinVar:

NM_181552.4(CUX1):c.4148C>T (p.Pro1383Leu)

Gene: CUX1 (cut like homeobox 1; plus strand). Cytogenetic location: 7q22.1.
Variant type: single nucleotide variant.
Coding change: c.4148C>T on transcript NM_181552.4 (MANE Select); coding-DNA position 4148, C replaced by T.
Protein change: p.Pro1383Leu; replaces proline 1383 with leucine.
Molecular consequence: missense variant. On other transcripts: intron variant (5).
Genome position (GRCh38, 1-based): chr7:102,248,672, C>T. VCF-style: chr7-102248672-C-T. GRCh37 (hg19) VCF-style: chr7-101891952-C-T.
Other names: c.4181C>T, p.Pro1394Leu (NM_001202543.2); c.1256-24694C>T (NM_001913.5); c.1250-24694C>T (NM_181500.4); c.1118-24694C>T (NM_001202545.3); c.1208-24694C>T (NM_001202544.3); c.1139-24694C>T (NM_001202546.3); short protein forms P1383L, P1394L.
Identifiers: ClinVar variation 1708690 (VCV001708690.2), dbSNP rs1801098435, ClinGen allele CA368669041.

ClinVar aggregate classification (germline): Uncertain significance (1 of 4 stars; one submission).

Allele frequency attached by ClinVar (database versions not stated): TOPMed below 0.00001; gnomAD 0.00001.
gnomAD v4.1: 4 of 1,314,082 alleles (0.0003%); highest among the groups gnomAD compares: Admixed American, 0.004%; no homozygotes.

Submission:

GeneDx
Classification: Uncertain significance. Last evaluated: 2022-04-08. Review status: criteria provided, single submitter. Criteria: GeneDx Variant Classification Process June 2021. Collection method: clinical testing. Allele origin: germline. Affected: yes.
Comment: Not observed at significant frequency in large population cohorts (gnomAD); In silico analysis supports that this missense variant does not alter protein structure/function; Has not been previously published as pathogenic or benign to our knowledge